The following is an entry in ClinVar:

ClinVar aggregate classification (germline): Uncertain significance (1 of 4 stars; one submission).

Conditions:
Fanconi anemia (FA). Also called: Fanconi's anemia. Identifiers: Orphanet 84, MedGen C0015625, MeSH D005199, MONDO:0019391.

Allele frequency attached by ClinVar (database versions not stated): gnomAD exomes below 0.00001; TOPMed below 0.00001; ExAC 0.00001.
gnomAD v4.1: 1 of 1,605,294 alleles (0.000062%); highest among the groups gnomAD compares: South Asian, 0.0011%; no homozygotes.

Submission:

Labcorp Genetics (formerly Invitae), Labcorp
Classification: Uncertain significance for Fanconi anemia. Last evaluated: 2021-06-06. Review status: criteria provided, single submitter. Criteria: Invitae Variant Classification Sherloc (09022015). Collection method: clinical testing. Allele origin: germline.
Comment: This sequence change replaces threonine with isoleucine at codon 304 of the FANCL protein (p.Thr304Ile). The threonine residue is weakly conserved and there is a moderate physicochemical difference between threonine and isoleucine. This variant is present in population databases (rs746454771, ExAC 0.006%). This variant has not been reported in the literature in individuals with FANCL-related conditions. Algorithms developed to predict the effect of missense changes on protein structure and function are either unavailable or do not agree on the potential impact of this missense change (SIFT: "Deleterious"; PolyPhen-2: "Possibly Damaging"; Align-GVGD: "Class C15"). In summary, the available evidence is currently insufficient to determine the role of this variant in disease. Therefore, it has been classified as a Variant of Uncertain Significance.

NM_018062.4(FANCL):c.911C>T (p.Thr304Ile)

Gene: FANCL (FA complementation group L; minus strand). Cytogenetic location: 2p16.1.
Variant type: single nucleotide variant.
Coding change: c.911C>T on transcript NM_018062.4 (MANE Select); coding-DNA position 911, C replaced by T.
Protein change: p.Thr304Ile; replaces threonine 304 with isoleucine.
Molecular consequence: missense variant.
Genome position (GRCh38, 1-based): chr2:58,161,631, G>A on the plus strand (C>T on the coding strand, the complement: FANCL is on the minus strand). VCF-style: chr2-58161631-G-A. GRCh37 (hg19) VCF-style: chr2-58388766-G-A.
Other names: c.926C>T, p.Thr309Ile (NM_001114636.2); c.956C>T, p.Thr319Ile (NM_001374615.1); c.971C>T, p.Thr324Ile (NM_001410792.1); short protein forms T319I, T304I, T309I, T324I.
Identifiers: ClinVar variation 1463984 (VCV001463984.8), dbSNP rs746454771, ClinGen allele CA1670380.